The following is an entry in ClinVar:

ClinVar aggregate classification (germline): Benign (1 of 4 stars; one submission).

Conditions:
KATNAL2-related disorder. Also called: KATNAL2-related condition.

Submission:

PreventionGenetics, part of Exact Sciences
Classification: Benign for KATNAL2-related condition. Last evaluated: 2024-11-27. Review status: criteria provided, single submitter. Criteria: ACMG Guidelines, 2015. Collection method: clinical testing. Allele origin: germline.
Comment: This variant is classified as benign based on ACMG/AMP sequence variant interpretation guidelines (Richards et al. 2015 PMID: 25741868, with internal and published modifications).

NM_001387690.1(KATNAL2):c.1212-1010_1212-1009del

Gene: KATNAL2 (katanin catalytic subunit A1 like 2; plus strand). Cytogenetic location: 18q21.1.
Variant type: Deletion.
Coding change: c.1212-1010_1212-1009del on transcript NM_001387690.1 (MANE Select); 1010 bases into the intron before coding-DNA position 1212 through 1009 bases into the intron before coding-DNA position 1212, 2 bases deleted (AA; older notation c.1212-1010_1212-1009delAA).
Molecular consequence: intron variant. On other transcripts: frameshift variant (7), 3 prime UTR variant (1), non-coding transcript variant (1).
Genome position (GRCh38, 1-based): chr18:47,098,233-47,098,234, AA deleted; deleting any 2 consecutive bases within chr18:47,098,222-47,098,234 gives the same sequence; the c. name uses the placement nearest the transcript's 3' end. VCF-style (leftmost placement, unchanged base first): chr18-47098221-CAA-C. GRCh37 (hg19) VCF-style: chr18-44624592-CAA-C.
Other names: c.1272_1273del, p.Ser425fs (NM_001353901.1); c.1251_1252del, p.Ser418fs (NM_001353902.1); c.939_940del, p.Ser314fs (NM_001353905.1, NM_001353906.1); c.1024_1025del, p.Lys342fs (NM_001353907.1); c.840_841del, p.Ser281fs (NM_001353908.1); c.*108_*109del (NM_001353909.1); c.780-1010_780-1009del (NM_001353904.1); c.1290-1010_1290-1009del (NM_001353899.1); and 5 more; short protein forms S281fs, K342fs, S425fs, S314fs, S418fs.
Identifiers: ClinVar variation 4980664 (VCV004980664.1).